The following is an entry in ClinVar:

ClinVar aggregate classification (germline): Benign. Review status: criteria provided, multiple submitters, no conflicts (2 of 4 stars). 6 submissions from 4 submitters: Benign (6). Last evaluated 2021-07-14.

Conditions:
Spastic ataxia 5. Also called: Spastic Ataxia Type 5 (SPAX5). Identifiers: Orphanet 313772, MedGen C3280977, MONDO:0013776, OMIM 614487.
Spinocerebellar ataxia type 28 (SCA28). Also called: Spinocerebellar Ataxia Type 28 (SCA28). Identifiers: Orphanet 101109, MedGen C1853249, MONDO:0012450, OMIM 610246.
Optic atrophy 12. Also called: Optic Atrophy Type 12 (OPA12). Identifiers: MedGen C5436534, MONDO:0033549, OMIM 618977.

Allele frequency attached by ClinVar (database versions not stated): gnomAD exomes 0.26729 and 0.22845; gnomAD 0.28188 and 0.28281; TOPMed 0.30376; 1000 Genomes Project 0.33586; ExAC 0.26312; ESP Exome Variant Server 0.27718; 1000 Genomes Project 30x 0.33791.
gnomAD v4.1: 375,328 of 1,603,688 alleles (23%); highest among the groups gnomAD compares: African/African-American, 39%; 47,325 homozygotes.

Submissions (6):

Genome-Nilou Lab
Classification: Benign for Optic atrophy 12. Last evaluated: 2021-07-14. Review status: criteria provided, single submitter. Criteria: ACMG Guidelines, 2015. Collection method: clinical testing. Allele origin: germline. Affected: no.

Genome-Nilou Lab
Classification: Benign for Spastic ataxia 5. Last evaluated: 2021-07-14. Review status: criteria provided, single submitter. Criteria: ACMG Guidelines, 2015. Collection method: clinical testing. Allele origin: germline. Affected: no.

Genome-Nilou Lab
Classification: Benign for Spinocerebellar ataxia type 28. Last evaluated: 2021-07-14. Review status: criteria provided, single submitter. Criteria: ACMG Guidelines, 2015. Collection method: clinical testing. Allele origin: germline. Affected: no.

GeneDx
Classification: Benign. Last evaluated: 2018-06-23. Review status: criteria provided, single submitter. Criteria: GeneDx Variant Classification Process June 2021. Collection method: clinical testing. Allele origin: germline. Affected: yes.

Illumina Laboratory Services, Illumina
Classification: Benign for Spinocerebellar ataxia type 28. Last evaluated: 2018-01-13. Review status: criteria provided, single submitter. Criteria: ICSL Variant Classification Criteria 13 December 2019. Collection method: clinical testing. Allele origin: germline.
Comment: This variant was observed in the ICSL laboratory as part of a predisposition screen in an ostensibly healthy population. It had not been previously curated by ICSL or reported in the Human Gene Mutation Database (HGMD: prior to June 1st, 2018), and was therefore a candidate for classification through an automated scoring system. Utilizing variant allele frequency, disease prevalence and penetrance estimates, and inheritance mode, an automated score was calculated to assess if this variant is too frequent to cause the disease. Based on the score and internal cut-off values, a variant classified as benign is not then subjected to further curation. The score for this variant resulted in a classification of benign for this disease.

Breakthrough Genomics
Classification: Benign. Review status: criteria provided, single submitter. Criteria: ACMG Guidelines, 2015. Collection method: not provided. Allele origin: germline. Inheritance: Autosomal recessive inheritance. Affected: yes.

NM_006796.3(AFG3L2):c.*28G>C

Genes: AFG3L2 (AFG3 like matrix AAA peptidase subunit 2; minus strand), TUBB6 (tubulin beta 6 class V; plus strand). Cytogenetic location: 18p11.21.
Variant type: single nucleotide variant.
Coding change: c.*28G>C on transcript NM_006796.3 (MANE Select); 28 bases downstream of the stop codon, G replaced by C.
Molecular consequence: 3 prime UTR variant.
Genome position (GRCh38, 1-based): chr18:12,329,537, C>G on the plus strand (G>C on the coding strand, the complement: AFG3L2 is on the minus strand). VCF-style: chr18-12329537-C-G. GRCh37 (hg19) VCF-style: chr18-12329536-C-G.
Other names: c.*354C>G (NM_001303525.2).
Identifiers: ClinVar variation 326101 (VCV000326101.14), dbSNP rs1129115, ClinGen allele CA8896206.